The following is an entry in ClinVar:

NM_022041.4(GAN):c.1086+6A>T

Gene: GAN (gigaxonin; plus strand). Cytogenetic location: 16q23.2.
Variant type: single nucleotide variant.
Coding change: c.1086+6A>T on transcript NM_022041.4 (MANE Select); 6 bases into the intron after coding-DNA position 1086, A replaced by T.
Molecular consequence: intron variant.
Genome position (GRCh38, 1-based): chr16:81,362,617, A>T. VCF-style: chr16-81362617-A-T. GRCh37 (hg19) VCF-style: chr16-81396222-A-T.
Other names: c.447+6A>T (NM_001377486.1).
Identifiers: ClinVar variation 1787562 (VCV001787562.2), dbSNP rs2507744528, ClinGen allele CA2580092145.

ClinVar aggregate classification (germline): Uncertain significance (1 of 4 stars; one submission).

Conditions:
Inborn genetic diseases. Identifiers: MedGen C0950123, MeSH D030342.

Submission:

Ambry Genetics
Classification: Uncertain significance for Inborn genetic diseases. Last evaluated: 2020-12-23. Review status: criteria provided, single submitter. Criteria: Ambry Variant Classification Scheme 2023. Collection method: clinical testing. Allele origin: germline.
Comment: The c.1086+6A>T intronic variant results from an A to T substitution 6 nucleotides after coding exon 6 in the GAN gene. This nucleotide position is not well conserved in available vertebrate species. In silico splice site analysis predicts that this alteration will not have any significant effect on splicing. Since supporting evidence is limited at this time, the clinical significance of this alteration remains unclear.